The following is an entry in ClinVar:

ClinVar aggregate classification (germline): Benign/Likely benign. Review status: criteria provided, multiple submitters, no conflicts (2 of 4 stars). 4 submissions from 4 submitters: Benign (1); Likely benign (3). Last evaluated 2025-07-02.

Conditions:
Hereditary cancer-predisposing syndrome. Also called: Neoplastic Syndromes, Hereditary; Tumor predisposition; Hereditary neoplastic syndrome; Hereditary Cancer Syndrome. Identifiers: Orphanet 140162, MedGen C0027672, MeSH D009386, MONDO:0015356.
Familial cancer of breast. Also called: BREAST CANCER, FAMILIAL; Hereditary breast cancer; hereditary breast carcinoma. Identifiers: Orphanet 227535, MedGen C0346153, MONDO:0016419, OMIM 114480. Disease mechanism: loss of function.

Allele frequency attached by ClinVar (database versions not stated): gnomAD 0.00001.
gnomAD v4.1: 1 of 1,611,292 alleles (0.000062%); highest among the groups gnomAD compares: Admixed American, 0.0017%; no homozygotes.

Submissions (4):

Labcorp Genetics (formerly Invitae), Labcorp
Classification: Likely benign for Familial cancer of breast. Last evaluated: 2025-07-02. Review status: criteria provided, single submitter. Criteria: Invitae Variant Classification Sherloc (09022015). Collection method: clinical testing. Allele origin: germline.

Myriad Genetics, Inc.
Classification: Benign for Familial cancer of breast. Last evaluated: 2024-07-23. Review status: criteria provided, single submitter. Criteria: Myriad Autosomal Dominant, Autosomal Recessive and X-Linked Classification Criteria (2023). Collection method: clinical testing. Allele origin: unknown.
Comment: This variant is considered benign. This variant is a silent/synonymous amino acid change and it is not expected to impact splicing.

Ambry Genetics
Classification: Likely benign for Hereditary cancer-predisposing syndrome. Last evaluated: 2023-11-21. Review status: criteria provided, single submitter. Criteria: Ambry Variant Classification Scheme 2023. Collection method: clinical testing. Allele origin: germline.

Color Diagnostics, LLC DBA Color Health
Classification: Likely benign for Hereditary cancer-predisposing syndrome. Last evaluated: 2018-08-28. Review status: criteria provided, single submitter. Criteria: ACMG Guidelines, 2015. Collection method: clinical testing. Allele origin: germline.

NM_000465.4(BARD1):c.843A>G (p.Pro281=)

Gene: BARD1 (BRCA1 associated RING domain 1; minus strand). Cytogenetic location: 2q35.
Variant type: single nucleotide variant.
Coding change: c.843A>G on transcript NM_000465.4 (MANE Select); coding-DNA position 843, A replaced by G.
Protein change: p.Pro281=; no amino-acid change (proline 281 retained).
Molecular consequence: synonymous variant. On other transcripts: non-coding transcript variant (2), intron variant (3).
Genome position (GRCh38, 1-based): chr2:214,781,031, T>C on the plus strand (A>G on the coding strand, the complement: BARD1 is on the minus strand). VCF-style: chr2-214781031-T-C. GRCh37 (hg19) VCF-style: chr2-215645755-T-C.
Other names: c.786A>G, p.Pro262= (NM_001282543.2); c.158+28381A>G (NM_001282548.2); c.215+16030A>G (NM_001282545.2); c.364+11266A>G (NM_001282549.2); c.843A>G (NM_000465.2).
Identifiers: ClinVar variation 629137 (VCV000629137.14), dbSNP rs1559424812, ClinGen allele CA431391949.